The following is an entry in ClinVar:

ClinVar aggregate classification (germline): Likely benign. Review status: criteria provided, multiple submitters, no conflicts (2 of 4 stars). 4 submissions from 4 submitters: Likely benign (4). Last evaluated 2025-06-03.

Conditions:
Baraitser-winter syndrome 2. Identifiers: Orphanet 2995, MedGen C3281235, MONDO:0013812, OMIM 614583.
Autosomal dominant nonsyndromic hearing loss 20. Identifiers: Orphanet 90635, MedGen C1858172, MONDO:0011480, OMIM 604717.

Allele frequency attached by ClinVar (database versions not stated): gnomAD exomes 0.00004 and 0.00008; TOPMed 0.00007; ESP Exome Variant Server 0.00008; gnomAD 0.00008; ExAC 0.00009; 1000 Genomes Project 0.00020; 1000 Genomes Project 30x 0.00031.
gnomAD v4.1: 64 of 1,613,794 alleles (0.004%); highest among the groups gnomAD compares: East Asian, 0.013%; no homozygotes.

Submissions (4):

Labcorp Genetics (formerly Invitae), Labcorp
Classification: Likely benign for Baraitser-winter syndrome 2; Autosomal dominant nonsyndromic hearing loss 20. Last evaluated: 2025-06-03. Review status: criteria provided, single submitter. Criteria: Invitae Variant Classification Sherloc (09022015). Collection method: clinical testing. Allele origin: germline.

Blueprint Genetics
Classification: Likely benign. Last evaluated: 2023-08-21. Review status: criteria provided, single submitter. Criteria: ACMG Guidelines, 2015. Collection method: clinical testing. Allele origin: germline.

GeneDx
Classification: Likely benign. Last evaluated: 2020-03-12. Review status: criteria provided, single submitter. Criteria: GeneDx Variant Classification Process June 2021. Collection method: clinical testing. Allele origin: germline. Affected: yes.

Laboratory for Molecular Medicine, Mass General Brigham Personalized Medicine
Classification: Likely benign. Last evaluated: 2012-04-30. Review status: criteria provided, single submitter. Criteria: LMM Criteria. Collection method: clinical testing. Allele origin: germline. Observed: 1 variant allele.
Comment: Phe223Phe in Exon 04 of ACTG1: This variant is not expected to have clinical significance because it does not alter an amino acid residue, is not located within the splice consensus sequence, and has been identified in 1/3738 African American chromosomes from a broad population by the NHLBI Exome Sequencing Project.

NM_001614.5(ACTG1):c.669C>T (p.Phe223=)

Gene: ACTG1 (actin gamma 1; minus strand). Cytogenetic location: 17q25.3.
Variant type: single nucleotide variant.
Coding change: c.669C>T on transcript NM_001614.5 (MANE Select); coding-DNA position 669, C replaced by T.
Protein change: p.Phe223=; no amino-acid change (phenylalanine 223 retained).
Molecular consequence: synonymous variant. On other transcripts: non-coding transcript variant (1).
Genome position (GRCh38, 1-based): chr17:81,511,321, G>A on the plus strand (C>T on the coding strand, the complement: ACTG1 is on the minus strand). VCF-style: chr17-81511321-G-A. GRCh37 (hg19) VCF-style: chr17-79478347-G-A.
Other names: c.669C>T, p.Phe223= (NM_001199954.3).
Identifiers: ClinVar variation 929867 (VCV000929867.16), dbSNP rs373099591, ClinGen allele CA8836024.